The following is an entry in ClinVar:

NM_020207.7(ERCC6L2):c.3410T>G (p.Met1137Arg)

Gene: ERCC6L2 (ERCC excision repair 6 like 2; plus strand). Cytogenetic location: 9q22.32.
Variant type: single nucleotide variant.
Coding change: c.3410T>G on transcript NM_020207.7 (MANE Select); coding-DNA position 3410, T replaced by G.
Protein change: p.Met1137Arg; replaces methionine 1137 with arginine.
Molecular consequence: missense variant. On other transcripts: non-coding transcript variant (1).
Genome position (GRCh38, 1-based): chr9:95,978,133, T>G. VCF-style: chr9-95978133-T-G. GRCh37 (hg19) VCF-style: chr9-98740415-T-G.
Other names: c.3410T>G, p.Met1137Arg (NM_001375291.1, NM_001375292.1, NM_001375293.1 and 1 more transcripts); short protein forms M1137R.
Identifiers: ClinVar variation 1468837 (VCV001468837.5), dbSNP rs1832747337, ClinGen allele CA466113398.

ClinVar aggregate classification (germline): Uncertain significance (1 of 4 stars; one submission).

Allele frequency attached by ClinVar (database versions not stated): TOPMed below 0.00001.

Submission:

Labcorp Genetics (formerly Invitae), Labcorp
Classification: Uncertain significance. Last evaluated: 2024-05-02. Review status: criteria provided, single submitter. Criteria: Invitae Variant Classification Sherloc (09022015). Collection method: clinical testing. Allele origin: germline.
Comment: This sequence change replaces methionine, which is neutral and non-polar, with arginine, which is basic and polar, at codon 1148 of the ERCC6L2 protein (p.Met1148Arg). This variant is not present in population databases (gnomAD no frequency). This variant has not been reported in the literature in individuals affected with ERCC6L2-related conditions. ClinVar contains an entry for this variant (Variation ID: 1468837). Experimental studies and prediction algorithms are not available or were not evaluated, and the functional significance of this variant is currently unknown. In summary, the available evidence is currently insufficient to determine the role of this variant in disease. Therefore, it has been classified as a Variant of Uncertain Significance.